The following is an entry in ClinVar:

ClinVar aggregate classification (germline): Uncertain significance. Review status: criteria provided, multiple submitters, no conflicts (2 of 4 stars). 5 submissions from 5 submitters: Uncertain significance (5). Last evaluated 2026-01-22.

Conditions:
TTN-related disorder. Also called: TTN-related condition; TTN-related disease; TTN-related disorders.
Early-onset myopathy with fatal cardiomyopathy (CMYO5). Also called: Salih Myopathy; CONGENITAL MYOPATHY 5 WITH CARDIOMYOPATHY. Identifiers: Orphanet 289377, MedGen C2673677, MONDO:0012714, OMIM 611705. Disease mechanism: loss of function.
Tibial muscular dystrophy (TMD). Also called: Tibial muscular dystrophy, tardive; UDD MYOPATHY; Udd Distal Myopathy – Tibial Muscular Dystrophy. Identifiers: Orphanet 609, MedGen C1838244, MONDO:0010870, OMIM 600334.
Dilated cardiomyopathy 1G (CMD1G). Identifiers: Orphanet 154, MedGen C1858763, MONDO:0011400, OMIM 604145.
Autosomal recessive limb-girdle muscular dystrophy type 2J (LGMDR10). Also called: Limb-girdle muscular dystrophy, type 2J; MUSCULAR DYSTROPHY, LIMB-GIRDLE, AUTOSOMAL RECESSIVE 10. Identifiers: Orphanet 140922, MedGen C1837342, MONDO:0012127, OMIM 608807.
Hypertrophic cardiomyopathy 9. Also called: Familial hypertrophic cardiomyopathy 9. Identifiers: MedGen C1861065, MONDO:0013412, OMIM 613765.
Myopathy, myofibrillar, 9, with early respiratory failure (MFM9). Also called: EDSTROM MYOPATHY; Myopathy, distal, with early respiratory failure, autosomal dominant; Hereditary myopathy with early respiratory failure; MYOPATHY, PROXIMAL, WITH EARLY RESPIRATORY MUSCLE INVOLVEMENT. Identifiers: Orphanet 178464, Orphanet 34521, MedGen C1863599, MONDO:0011362, OMIM 603689.

Allele frequency attached by ClinVar (database versions not stated): ExAC 0.00001; gnomAD 0.00002; gnomAD exomes 0.00002 and 0.00004; TOPMed 0.00003; ESP Exome Variant Server 0.00008.
gnomAD v4.1: 56 of 1,613,830 alleles (0.0035%); highest among the groups gnomAD compares: Non-Finnish European, 0.0047%; no homozygotes.

Submissions (5):

PreventionGenetics, part of Exact Sciences
Classification: Uncertain significance for TTN-related condition. Last evaluated: 2026-01-22. Review status: criteria provided, single submitter. Criteria: ACMG Guidelines, 2015. Collection method: clinical testing. Allele origin: germline.
Comment: The TTN c.6895T>C variant is predicted to result in the amino acid substitution p.Trp2299Arg. This variant has been reported in an individual with dilated cardiomyopathy (Table S3, Mazzarotto et al. 2020. PubMed ID: 31983221). This variant is reported in 0.0039% of alleles in individuals of European (Non-Finnish) descent in gnomAD and is interpreted as uncertain in ClinVar (Variation ID: 499692). At this time, the clinical significance of this variant is uncertain due to the absence of conclusive functional and genetic evidence.

Mayo Clinic Laboratories, Mayo Clinic
Classification: Uncertain significance. Last evaluated: 2025-08-15. Review status: criteria provided, single submitter. Criteria: ACMG Guidelines, 2015. Collection method: clinical testing. Allele origin: germline. Observed: 1 variant allele.
Comment: BP5, PP3_strong, PM2_supporting

Fulgent Genetics
Classification: Uncertain significance for Tibial muscular dystrophy; Myopathy, myofibrillar, 9, with early respiratory failure; Dilated cardiomyopathy 1G; Autosomal recessive limb-girdle muscular dystrophy type 2J; Early-onset myopathy with fatal cardiomyopathy; Hypertrophic cardiomyopathy 9. Last evaluated: 2022-02-04. Review status: criteria provided, single submitter. Criteria: ACMG Guidelines, 2015. Collection method: clinical testing. Allele origin: unknown.

GeneDx
Classification: Uncertain significance. Last evaluated: 2020-03-26. Review status: criteria provided, single submitter. Criteria: GeneDx Variant Classification Process June 2021. Collection method: clinical testing. Allele origin: germline. Affected: yes.
Comment: Not observed at a significant frequency in large population cohorts (Lek et al., 2016); In silico analysis supports that this missense variant has a deleterious effect on protein structure/function; Missense variant in a gene in which most reported pathogenic variants are truncating/loss-of-function; Has not been previously published as pathogenic or benign to our knowledge; This variant is associated with the following publications: (PMID: 31983221)

Eurofins Ntd Llc (ga)
Classification: Uncertain significance. Last evaluated: 2017-01-05. Review status: criteria provided, single submitter. Criteria: EGL Classification Definitions 2015. Collection method: clinical testing. Allele origin: germline. Observed: 2 variant alleles, 2 heterozygotes.

Literature cited by the submitters: PubMed 31983221 (cited by Mayo Clinic Laboratories, Mayo Clinic).

NM_001267550.2(TTN):c.6895T>C (p.Trp2299Arg)

Genes: TTN (titin; minus strand), LOC126806433 (BRD4-independent group 4 enhancer GRCh37_chr2:179638309-179639508; plus strand). Cytogenetic location: 2q31.2.
Variant type: single nucleotide variant.
Coding change: c.6895T>C on transcript NM_001267550.2 (MANE Select); coding-DNA position 6895, T replaced by C.
Protein change: p.Trp2299Arg; replaces tryptophan 2299 with arginine.
Molecular consequence: missense variant.
Genome position (GRCh38, 1-based): chr2:178,774,369, A>G on the plus strand (T>C on the coding strand, the complement: TTN is on the minus strand). VCF-style: chr2-178774369-A-G. GRCh37 (hg19) VCF-style: chr2-179639096-A-G.
Other names: p.Trp2299Arg; c.6895T>C, p.Trp2299Arg (NM_001256850.1, NM_133378.4, NM_133379.5); c.6757T>C, p.Trp2253Arg (NM_003319.4, NM_133432.3, NM_133437.4); short protein forms W2299R, W2253R.
Identifiers: ClinVar variation 499692 (VCV000499692.10), dbSNP rs145585333, ClinGen allele CA2004942.